The following is an entry in ClinVar:

NM_015346.4(ZFYVE26):c.3470G>A (p.Ser1157Asn)

Gene: ZFYVE26 (zinc finger FYVE-type containing 26; minus strand). Cytogenetic location: 14q24.1.
Variant type: single nucleotide variant.
Coding change: c.3470G>A on transcript NM_015346.4 (MANE Select); coding-DNA position 3470, G replaced by A.
Protein change: p.Ser1157Asn; replaces serine 1157 with asparagine.
Molecular consequence: missense variant.
Genome position (GRCh38, 1-based): chr14:67,785,112, C>T on the plus strand (G>A on the coding strand, the complement: ZFYVE26 is on the minus strand). VCF-style: chr14-67785112-C-T. GRCh37 (hg19) VCF-style: chr14-68251829-C-T.
Other names: short protein forms S1157N.
Identifiers: ClinVar variation 406181 (VCV000406181.8), dbSNP rs1060500989, ClinGen allele CA16614547.

ClinVar aggregate classification (germline): Uncertain significance (1 of 4 stars; one submission).

Conditions:
Spastic paraplegia. Identifiers: MedGen C0037772, HP:0001258.

Submission:

Labcorp Genetics (formerly Invitae), Labcorp
Classification: Uncertain significance for Spastic paraplegia. Last evaluated: 2016-06-13. Review status: criteria provided, single submitter. Criteria: Invitae Variant Classification Sherloc (09022015). Collection method: clinical testing. Allele origin: germline.
Comment: In summary, this variant is a novel missense change that is not predicted to affect protein function. There is no indication that it causes disease, but the available evidence is currently insufficient to prove that conclusively. Therefore, it has been classified as a Variant of Uncertain Significance. Algorithms developed to predict the effect of missense changes on protein structure and function (SIFT, PolyPhen-2, Align-GVGD) all suggest that this variant is likely to be tolerated, but these predictions have not been confirmed by published functional studies. This variant is not present in population databases (ExAC no frequency) and has not been reported in the literature in individuals with a ZFYVE26-related disease. This sequence change replaces serine with asparagine at codon 1157 of the ZFYVE26 protein (p.Ser1157Asn). The serine residue is moderately conserved and there is a small physicochemical difference between serine and asparagine.